The following is an entry in ClinVar:

ClinVar aggregate classification (germline): Uncertain significance (1 of 4 stars; one submission).

Conditions:
Retinoblastoma (RB1). Also called: RETINOBLASTOMA, SOMATIC. Identifiers: Orphanet 790, MedGen C0035335, MeSH D012175, MONDO:0008380, OMIM 180200, HP:0009919. Disease mechanism: loss of function. Inheritance: Both sporadic and heritable forms are tested..

Submission:

Genetic Diagnostic Laboratory, University of Pennsylvania School of Medicine
Classification: Uncertain significance for Retinoblastoma. Last evaluated: 2024-05-20. Review status: criteria provided, single submitter. Criteria: ACMG Guidelines, 2015. Collection method: clinical testing. Allele origin: germline. Affected: yes. Observed: 1 variant allele.
Comment: Case and Pedigree Information: BILATERAL CASES:1, UNILATERAL CASES:0, TOTAL CASES:1, PEDIGREES:1. ACMG Codes Applied:PM2

NM_000321.3(RB1):c.1128-29_1128-4del

Gene: RB1 (RB transcriptional corepressor 1; plus strand). Cytogenetic location: 13q14.2.
Variant type: Deletion.
Coding change: c.1128-29_1128-4del on transcript NM_000321.3 (MANE Select); 29 bases into the intron before coding-DNA position 1128 through 4 bases into the intron before coding-DNA position 1128, 26 bases deleted (ACACATTTTCCTATTTTTATCCCCTC).
Molecular consequence: intron variant.
Genome position (GRCh38, 1-based): chr13:48,373,376-48,373,401, ACACATTTTCCTATTTTTATCCCCTC deleted. VCF-style (leftmost placement, unchanged base first): chr13-48373375-AACACATTTTCCTATTTTTATCCCCTC-A. GRCh37 (hg19) VCF-style: chr13-48947511-AACACATTTTCCTATTTTTATCCCCTC-A.
Other names: c.1128-29_1128-4del (NM_001407165.1, NM_001407166.1); c.1128-29_1128-4del26 (NM_000321.3).
Identifiers: ClinVar variation 3236957 (VCV003236957.1), dbSNP rs2542194705.